The following is an entry in ClinVar:

ClinVar aggregate classification (germline): Pathogenic (1 of 4 stars; one submission).

Conditions:
Hereditary spastic paraplegia 11. Also called: SPASTIC PARAPLEGIA, AUTOSOMAL RECESSIVE, COMPLICATED, WITH THIN CORPUS CALLOSUM; SPASTIC PARAPLEGIA, AUTOSOMAL RECESSIVE, WITH MENTAL IMPAIRMENT AND THIN CORPUS CALLOSUM; Nakamura Osame syndrome; Autosomal recessive hereditary spastic paraplegia, mental impairment, and thin corpus callosum; Spastic Paraplegia 11; Spastic paraplegia, mental retardation and thin corpus callosum. Identifiers: Orphanet 2822, MedGen C1858479, MONDO:0011445, OMIM 604360.

Submission:

Labcorp Genetics (formerly Invitae), Labcorp
Classification: Pathogenic for Hereditary spastic paraplegia 11. Last evaluated: 2023-08-11. Review status: criteria provided, single submitter. Criteria: Invitae Variant Classification Sherloc (09022015). Collection method: clinical testing. Allele origin: germline.
Comment: This variant has not been reported in the literature in individuals affected with SPG11-related conditions. This variant is not present in population databases (gnomAD no frequency). This sequence change creates a premature translational stop signal (p.Ile1327Asnfs*4) in the SPG11 gene. It is expected to result in an absent or disrupted protein product. Loss-of-function variants in SPG11 are known to be pathogenic (PMID: 19105190, 20110243, 22154821, 26556829). Algorithms developed to predict the effect of sequence changes on RNA splicing suggest that this variant may create or strengthen a splice site. For these reasons, this variant has been classified as Pathogenic.

Literature cited by the submitters: PubMed 19105190; PubMed 20110243; PubMed 22154821; PubMed 26556829.

NM_025137.4(SPG11):c.3980_3986del (p.Ile1327fs)

Gene: SPG11 (SPG11 vesicle trafficking associated, spatacsin; minus strand). Cytogenetic location: 15q21.1.
Variant type: Deletion.
Coding change: c.3980_3986del on transcript NM_025137.4 (MANE Select); coding-DNA positions 3980 to 3986, 7 bases deleted (TTCAGCA; older notation c.3980_3986delTTCAGCA).
Protein change: p.Ile1327fs; shifts the reading frame from isoleucine 1327.
Molecular consequence: frameshift variant.
Genome position (GRCh38, 1-based): chr15:44,598,280-44,598,286, TGCTGAA deleted on the plus strand (TTCAGCA on the coding strand, the reverse complement: SPG11 is on the minus strand); deleting any 7 consecutive bases within chr15:44,598,280-44,598,291 gives the same sequence; the c. name uses the placement nearest the transcript's 3' end. VCF-style (leftmost placement, unchanged base first): chr15-44598279-TTGCTGAA-T. GRCh37 (hg19) VCF-style: chr15-44890477-TTGCTGAA-T.
Other names: c.3980_3986del, p.Ile1327fs (NM_001160227.2, NM_001411132.1); short protein forms I1327fs.
Identifiers: ClinVar variation 2752242 (VCV002752242.3), dbSNP rs2505390134, ClinGen allele CA2697554418.